The following is an entry in ClinVar:

ClinVar aggregate classification (germline): Pathogenic. Review status: criteria provided, multiple submitters, no conflicts (2 of 4 stars). 2 submissions from 2 submitters: Pathogenic (2). Last evaluated 2024-12-28.

Conditions:
Beckwith-Wiedemann syndrome (BWS). Also called: EMG SYNDROME; Exomphalos macroglossia gigantism syndrome. Identifiers: Orphanet 116, MedGen C0004903, MONDO:0007534, OMIM 130650.

Submissions (2):

GeneDx
Classification: Pathogenic. Last evaluated: 2024-12-28. Review status: criteria provided, single submitter. Criteria: GeneDx Variant Classification Process June 2021. Collection method: clinical testing. Allele origin: germline. Affected: yes.
Comment: Nonsense variant predicted to result in protein truncation or nonsense mediated decay in a gene for which loss of function is a known mechanism of disease; Not observed at significant frequency in large population cohorts (gnomAD); Has not been previously published as pathogenic or benign to our knowledge

Labcorp Genetics (formerly Invitae), Labcorp
Classification: Pathogenic for Beckwith-Wiedemann syndrome. Last evaluated: 2018-03-05. Review status: criteria provided, single submitter. Criteria: Invitae Variant Classification Sherloc (09022015). Collection method: clinical testing. Allele origin: germline.
Comment: This sequence change creates a premature translational stop signal (p.Glu225*) in the CDKN1C gene. It is expected to result in an absent or disrupted protein product. For these reasons, this variant has been classified as Pathogenic. Loss-of-function variants in CDKN1C are known to be pathogenic (PMID: 20503313). This variant has not been reported in the literature in individuals with CDKN1C-related disease. While this variant is not present in population databases, the frequency information is unreliable, as metrics indicate poor data quality at this position in the ExAC database.

Literature cited by the submitters: PubMed 20503313 (cited by Labcorp Genetics (formerly Invitae), Labcorp).

NM_001122630.2(CDKN1C):c.640G>T (p.Glu214Ter)

Gene: CDKN1C (cyclin dependent kinase inhibitor 1C; minus strand). Cytogenetic location: 11p15.4.
Variant type: single nucleotide variant.
Coding change: c.640G>T on transcript NM_001122630.2 (MANE Select); coding-DNA position 640, G replaced by T.
Protein change: p.Glu214Ter; replaces glutamic acid 214 with a stop codon.
Molecular consequence: nonsense. On other transcripts: intron variant (1).
Genome position (GRCh38, 1-based): chr11:2,884,817, C>A on the plus strand (G>T on the coding strand, the complement: CDKN1C is on the minus strand). VCF-style: chr11-2884817-C-A. GRCh37 (hg19) VCF-style: chr11-2906047-C-A.
Other names: c.673G>T, p.Glu225Ter (NM_000076.2, NM_001362474.2, LRG_533t1); c.640G>T, p.Glu214Ter (NM_001122631.2); c.255+385G>T (NM_001362475.2); short protein forms E225*, E214*.
Identifiers: ClinVar variation 571827 (VCV000571827.7), dbSNP rs1564929520, ClinGen allele CA379145963.